The following is an entry in ClinVar:

NM_004588.5(SCN2B):c.394C>A (p.Pro132Thr)

Gene: SCN2B (sodium voltage-gated channel beta subunit 2; minus strand). Cytogenetic location: 11q23.3.
Variant type: single nucleotide variant.
Coding change: c.394C>A on transcript NM_004588.5 (MANE Select); coding-DNA position 394, C replaced by A.
Protein change: p.Pro132Thr; replaces proline 132 with threonine.
Molecular consequence: missense variant.
Genome position (GRCh38, 1-based): chr11:118,168,139, G>T on the plus strand (C>A on the coding strand, the complement: SCN2B is on the minus strand). VCF-style: chr11-118168139-G-T. GRCh37 (hg19) VCF-style: chr11-118038854-G-T.
Other names: short protein forms P132T.
Identifiers: ClinVar variation 2274626 (VCV002274626.3), dbSNP rs1240316703, ClinGen allele CA382784643.
Genomic context (GRCh38, chr11:118,168,139, plus strand): 5'-CTTCACCTTCCATGAGGACCTGCAGATGGATCTTGCCATGGCCACGGTGGCGGTCAGGGG[G>T]GTTCATGATGTAGCAGTTGTAAATCCCCTCATCCTCCGGCTGCACGTTTCTCAGCATCAC-3'
Protein context (NP_004579.1, residues 122-142): EGIYNCYIMN[Pro132Thr]PDRHRGHGKI

ClinVar aggregate classification (germline): Uncertain significance (1 of 4 stars; one submission).

Conditions:
Cardiovascular phenotype. Identifiers: MedGen CN230736.

Allele frequency attached by ClinVar (database versions not stated): gnomAD 0.00001.
gnomAD v4.1: 1 of 1,614,048 alleles (0.000062%); highest among the groups gnomAD compares: East Asian, 0.0022%; no homozygotes.

Submission:

Ambry Genetics
Classification: Uncertain significance for Cardiovascular phenotype. Last evaluated: 2026-06-25. Review status: criteria provided, single submitter. Criteria: Ambry Variant Classification Scheme 2023. Collection method: clinical testing. Allele origin: germline.
Comment: The p.P132T variant (also known as c.394C>A), located in coding exon 3 of the SCN2B gene, results from a C to A substitution at nucleotide position 394. The proline at codon 132 is replaced by threonine, an amino acid with highly similar properties. This amino acid position is conserved. In addition, the in silico prediction for this alteration is inconclusive. Based on the available evidence, the clinical significance of this variant remains unclear.